The following is an entry in ClinVar:

NM_001101426.4(CRPPA):c.407C>T (p.Ala136Val)

Gene: CRPPA (CDP-L-ribitol pyrophosphorylase A; minus strand). Cytogenetic location: 7p21.2.
Variant type: single nucleotide variant.
Coding change: c.407C>T on transcript NM_001101426.4 (MANE Select); coding-DNA position 407, C replaced by T.
Protein change: p.Ala136Val; replaces alanine 136 with valine.
Molecular consequence: missense variant. On other transcripts: non-coding transcript variant (1).
Genome position (GRCh38, 1-based): chr7:16,406,188, G>A on the plus strand (C>T on the coding strand, the complement: CRPPA is on the minus strand). VCF-style: chr7-16406188-G-A. GRCh37 (hg19) VCF-style: chr7-16445813-G-A.
Other names: c.407C>T, p.Ala136Val (NM_001101417.4, NM_001368197.1); short protein forms A136V.
Identifiers: ClinVar variation 129287 (VCV000129287.26), dbSNP rs61734789, ClinGen allele CA153191.

ClinVar aggregate classification (germline): Benign. Review status: criteria provided, multiple submitters, no conflicts (2 of 4 stars). 9 submissions from 9 submitters: Benign (8). 1 of the submissions does not count toward it. Last evaluated 2026-02-04.

Conditions:
Congenital Muscular Dystrophy, alpha-dystroglycan related.
Muscular dystrophy-dystroglycanopathy (congenital with brain and eye anomalies), type A, 7. Also called: WALKER-WARBURG SYNDROME OR MUSCLE-EYE-BRAIN DISEASE, ISPD-RELATED; Congenital muscular dystrophy-dystroglycanopathy with brain and eye anomalies, type A7. Identifiers: Orphanet 899, MedGen C3553330, MONDO:0013835, OMIM 614643.
Autosomal recessive limb-girdle muscular dystrophy type 2U. Also called: Muscular dystrophy-dystroglycanopathy (limb-girdle), type c, 7; MUSCULAR DYSTROPHY, LIMB-GIRDLE, TYPE 2U. Identifiers: Orphanet 352479, MedGen C5190987, MONDO:0014474, OMIM 616052.

Allele frequency attached by ClinVar (database versions not stated): 1000 Genomes Project 0.00938; 1000 Genomes Project 30x 0.01031; TOPMed 0.02311; gnomAD exomes 0.02318 and 0.03802; gnomAD 0.02374 and 0.02478; ExAC 0.02411; ESP Exome Variant Server 0.02701.
gnomAD v4.1: 58,920 of 1,613,930 alleles (3.7%); highest among the groups gnomAD compares: Non-Finnish European, 4.5%; 1,333 homozygotes.

Submissions (9):

Labcorp Genetics (formerly Invitae), Labcorp
Classification: Benign for Muscular dystrophy-dystroglycanopathy (congenital with brain and eye anomalies), type A, 7; Autosomal recessive limb-girdle muscular dystrophy type 2U. Last evaluated: 2026-02-04. Review status: criteria provided, single submitter. Criteria: Invitae Variant Classification Sherloc (09022015). Collection method: clinical testing. Allele origin: germline.

Blueprint Genetics
Classification: Benign. Last evaluated: 2024-11-27. Review status: criteria provided, single submitter. Criteria: ACMG Guidelines, 2015. Collection method: clinical testing. Allele origin: germline.

Athena Diagnostics
Classification: Benign. Last evaluated: 2023-10-20. Review status: criteria provided, single submitter. Criteria: Athena Diagnostics Criteria. Collection method: clinical testing. Allele origin: unknown.

Mayo Clinic Laboratories, Mayo Clinic
Classification: Benign. Last evaluated: 2018-01-29. Review status: criteria provided, single submitter. Criteria: ACMG Guidelines, 2015. Collection method: clinical testing. Allele origin: germline. Observed: 54 variant alleles.

Illumina Laboratory Services, Illumina
Classification: Benign for Congenital Muscular Dystrophy, alpha-dystroglycan related. Last evaluated: 2018-01-13. Review status: criteria provided, single submitter. Criteria: ICSL Variant Classification Criteria 13 December 2019. Collection method: clinical testing. Allele origin: germline.
Comment: This variant was observed in the ICSL laboratory as part of a predisposition screen in an ostensibly healthy population. It had not been previously curated by ICSL or reported in the Human Gene Mutation Database (HGMD: prior to June 1st, 2018), and was therefore a candidate for classification through an automated scoring system. Utilizing variant allele frequency, disease prevalence and penetrance estimates, and inheritance mode, an automated score was calculated to assess if this variant is too frequent to cause the disease. Based on the score and internal cut-off values, a variant classified as benign is not then subjected to further curation. The score for this variant resulted in a classification of benign for this disease.

GeneDx
Classification: Benign. Last evaluated: 2016-02-23. Review status: criteria provided, single submitter. Criteria: GeneDx Variant Classification (06012015). Collection method: clinical testing. Allele origin: germline. Affected: yes.
Comment: This variant is considered likely benign or benign based on one or more of the following criteria: it is a conservative change, it occurs at a poorly conserved position in the protein, it is predicted to be benign by multiple in silico algorithms, and/or has population frequency not consistent with disease.

Laboratory for Molecular Medicine, Mass General Brigham Personalized Medicine
Classification: Benign. Last evaluated: 2015-01-13. Review status: criteria provided, single submitter. Criteria: LMM Criteria. Collection method: clinical testing. Allele origin: germline. Observed: 1 variant allele.
Comment: p.Ala136Val in exon 2 of ISPD: This variant is not expected to have clinical sig nificance because it has been identified in 3.5% (290/8230) of European American chromosomes from a broad population by the NHLBI Exome Sequencing Project (dbSNP rs61734789).

PreventionGenetics, part of Exact Sciences
Classification: Benign. Review status: criteria provided, single submitter. Criteria: ACMG Guidelines, 2015. Collection method: clinical testing. Allele origin: germline.

Genetic Services Laboratory, University of Chicago
Classification: Likely benign for AllHighlyPenetrant. Review status: no assertion criteria provided. Collection method: clinical testing. Allele origin: germline. Inheritance: Autosomal recessive inheritance. Not counted in ClinVar's aggregate classification.
Comment: Likely benign based on allele frequency in 1000 Genomes Project or ESP global frequency and its presence in a patient with a rare or unrelated disease phenotype. NOT Sanger confirmed.

Literature cited by the submitters: PubMed 29260090 (cited by Athena Diagnostics).